The following is an entry in ClinVar:

NM_000191.3(HMGCL):c.*486G>A

Gene: HMGCL (3-hydroxy-3-methylglutaryl-CoA lyase; minus strand). Cytogenetic location: 1p36.11.
Variant type: single nucleotide variant.
Coding change: c.*486G>A on transcript NM_000191.3 (MANE Select); 486 bases downstream of the stop codon, G replaced by A.
Molecular consequence: 3 prime UTR variant.
Genome position (GRCh38, 1-based): chr1:23,801,977, C>T on the plus strand (G>A on the coding strand, the complement: HMGCL is on the minus strand). VCF-style: chr1-23801977-C-T. GRCh37 (hg19) VCF-style: chr1-24128467-C-T.
Other names: c.*486G>A (NM_001166059.2).
Identifiers: ClinVar variation 296841 (VCV000296841.7), dbSNP rs11714, ClinGen allele CA10610698.

ClinVar aggregate classification (germline): Benign. Review status: criteria provided, multiple submitters, no conflicts (2 of 4 stars). 2 submissions from 2 submitters: Benign (2). Last evaluated 2018-01-12.

Conditions:
Deficiency of hydroxymethylglutaryl-CoA lyase (HMGCLD). Also called: HMGCL DEFICIENCY; HYDROXYMETHYLGLUTARIC ACIDURIA; Defect in leucine metabolism; 3-hydroxy-3-methylglutaric aciduria; HMG-CoA LYASE DEFICIENCY. Identifiers: Orphanet 20, MedGen C1533587, MONDO:0009520, OMIM 246450.

Allele frequency attached by ClinVar (database versions not stated): 1000 Genomes Project 30x 0.88335; 1000 Genomes Project 0.88339; gnomAD exomes 0.90805; TOPMed 0.90915; gnomAD 0.91267 and 0.91585.
gnomAD v4.1: 380,022 of 417,798 alleles (91%); highest among the groups gnomAD compares: Middle Eastern, 93%; 173,044 homozygotes.

Submissions (2):

Illumina Laboratory Services, Illumina
Classification: Benign for Deficiency of hydroxymethylglutaryl-CoA lyase. Last evaluated: 2018-01-12. Review status: criteria provided, single submitter. Criteria: ICSL Variant Classification Criteria 13 December 2019. Collection method: clinical testing. Allele origin: germline.
Comment: This variant was observed in the ICSL laboratory as part of a predisposition screen in an ostensibly healthy population. It had not been previously curated by ICSL or reported in the Human Gene Mutation Database (HGMD: prior to June 1st, 2018), and was therefore a candidate for classification through an automated scoring system. Utilizing variant allele frequency, disease prevalence and penetrance estimates, and inheritance mode, an automated score was calculated to assess if this variant is too frequent to cause the disease. Based on the score and internal cut-off values, a variant classified as benign is not then subjected to further curation. The score for this variant resulted in a classification of benign for this disease.

Breakthrough Genomics
Classification: Benign. Review status: criteria provided, single submitter. Criteria: ACMG Guidelines, 2015. Collection method: not provided. Allele origin: germline. Inheritance: Autosomal recessive inheritance. Affected: yes.